The following is an entry in ClinVar:

ClinVar aggregate classification (germline): Uncertain significance (1 of 4 stars; one submission).

Allele frequency attached by ClinVar (database versions not stated): gnomAD exomes below 0.00001; TOPMed 0.00002; gnomAD 0.00003.
gnomAD v4.1: 8 of 1,205,690 alleles (0.00066%); highest among the groups gnomAD compares: African/African-American, 0.011%; no homozygotes.

Submission:

Labcorp Genetics (formerly Invitae), Labcorp
Classification: Uncertain significance. Last evaluated: 2023-09-17. Review status: criteria provided, single submitter. Criteria: Invitae Variant Classification Sherloc (09022015). Collection method: clinical testing. Allele origin: germline.
Comment: In summary, the available evidence is currently insufficient to determine the role of this variant in disease. Therefore, it has been classified as a Variant of Uncertain Significance. An algorithm developed to predict the effect of missense changes on protein structure and function (PolyPhen-2) suggests that this variant is likely to be disruptive. ClinVar contains an entry for this variant (Variation ID: 1981987). This variant has not been reported in the literature in individuals affected with CLCN5-related conditions. This variant is present in population databases (rs782014653, gnomAD 0.01%). This sequence change replaces arginine, which is basic and polar, with glutamine, which is neutral and polar, at codon 648 of the CLCN5 protein (p.Arg648Gln).

NM_001127898.4(CLCN5):c.2153G>A (p.Arg718Gln)

Genes: CLCN5 (chloride voltage-gated channel 5; plus strand), LOC126863258 (BRD4-independent group 4 enhancer GRCh37_chrX:49854497-49855696; plus strand). Cytogenetic location: Xp11.23.
Variant type: single nucleotide variant.
Coding change: c.2153G>A on transcript NM_001127898.4 (MANE Select); coding-DNA position 2153, G replaced by A.
Protein change: p.Arg718Gln; replaces arginine 718 with glutamine.
Molecular consequence: missense variant.
Genome position (GRCh38, 1-based): chrX:50,090,679, G>A. VCF-style: chrX-50090679-G-A. GRCh37 (hg19) VCF-style: chrX-49855336-G-A.
Other names: c.1943G>A, p.Arg648Gln (NM_000084.5); c.2153G>A, p.Arg718Gln (NM_001127899.4); c.2003G>A, p.Arg668Gln (NM_001282163.2); short protein forms R718Q, R668Q, R648Q.
Identifiers: ClinVar variation 1981987 (VCV001981987.4), dbSNP rs782014653, ClinGen allele CA10413968.